The following is an entry in ClinVar:

NM_172364.5(CACNA2D4):c.1195G>A (p.Ala399Thr)

Gene: CACNA2D4 (calcium voltage-gated channel auxiliary subunit alpha2delta 4; minus strand). Cytogenetic location: 12p13.33.
Variant type: single nucleotide variant.
Coding change: c.1195G>A on transcript NM_172364.5 (MANE Select); coding-DNA position 1195, G replaced by A.
Protein change: p.Ala399Thr; replaces alanine 399 with threonine.
Molecular consequence: missense variant.
Genome position (GRCh38, 1-based): chr12:1,884,845, C>T on the plus strand (G>A on the coding strand, the complement: CACNA2D4 is on the minus strand). VCF-style: chr12-1884845-C-T. GRCh37 (hg19) VCF-style: chr12-1994011-C-T.
Other names: short protein forms A399T.
Identifiers: ClinVar variation 1008733 (VCV001008733.8), dbSNP rs1866095778, ClinGen allele CA383358556.

ClinVar aggregate classification (germline): Uncertain significance (1 of 4 stars; one submission).

Submission:

Labcorp Genetics (formerly Invitae), Labcorp
Classification: Uncertain significance. Last evaluated: 2020-10-15. Review status: criteria provided, single submitter. Criteria: Invitae Variant Classification Sherloc (09022015). Collection method: clinical testing. Allele origin: germline.
Comment: In summary, the available evidence is currently insufficient to determine the role of this variant in disease. Therefore, it has been classified as a Variant of Uncertain Significance. Algorithms developed to predict the effect of missense changes on protein structure and function (SIFT, PolyPhen-2, Align-GVGD) all suggest that this variant is likely to be disruptive, but these predictions have not been confirmed by published functional studies and their clinical significance is uncertain. This variant has not been reported in the literature in individuals with CACNA2D4-related conditions. This variant is not present in population databases (ExAC no frequency). This sequence change replaces alanine with threonine at codon 399 of the CACNA2D4 protein (p.Ala399Thr). The alanine residue is highly conserved and there is a small physicochemical difference between alanine and threonine.